The following is an entry in ClinVar:

ClinVar aggregate classification (germline): Likely pathogenic (1 of 4 stars; one submission).

Conditions:
Familial isolated congenital asplenia. Also called: ASPLENIA, FAMILIAL; HYPOSPLENIA, ISOLATED CONGENITAL; Asplenia, isolated congenital. Identifiers: Orphanet 101351, MedGen C0685889, MONDO:0010066, OMIM 271400.

Submission:

Human Genome Sequencing Center Clinical Lab, Baylor College of Medicine
Classification: Likely pathogenic for Asplenia, isolated congenital. Last evaluated: 2024-10-11. Review status: criteria provided, single submitter. Criteria: ACMG Guidelines, 2015. Collection method: clinical testing. Allele origin: de novo. Affected: yes.
Comment: This variant is located in exon 4 of RPSA gene, that encodes for ribosomal protein SA. To our knowledge this variant has not been reported in literature in individuals with isolated congenital asplenia. This variant is located within the laminin-binding region (amino acid residues 161-180). The CADD score for this variant is 28.6 and REVEL score is 0.641.This variant is absent in the general population database, gnomAD (v4.1.0). Therefore, the c.493A>T (p.Asn165Tyr) variant in RPSA gene is classified as likely pathogenic.

NM_002295.6(RPSA):c.493A>T (p.Asn165Tyr)

Gene: RPSA (ribosomal protein SA; plus strand). Cytogenetic location: 3p22.1.
Variant type: single nucleotide variant.
Coding change: c.493A>T on transcript NM_002295.6 (MANE Select); coding-DNA position 493, A replaced by T.
Protein change: p.Asn165Tyr; replaces asparagine 165 with tyrosine.
Molecular consequence: missense variant.
Genome position (GRCh38, 1-based): chr3:39,410,994, A>T. VCF-style: chr3-39410994-A-T. GRCh37 (hg19) VCF-style: chr3-39452485-A-T.
Other names: c.508A>T, p.Asn170Tyr (NM_001304288.2); short protein forms N165Y, N170Y.
Identifiers: ClinVar variation 4819200 (VCV004819200.1).